The following is an entry in ClinVar:

ClinVar aggregate classification (germline): Uncertain significance. Review status: criteria provided, single submitter (1 of 4 stars). 2 submissions from 2 submitters: Uncertain significance (1). 1 of the submissions does not count toward it. Last evaluated 2025-08-27.

Conditions:
CDH2-related disorder. Also called: CDH2-related condition.
Inborn genetic diseases. Identifiers: MedGen C0950123, MeSH D030342.

Allele frequency attached by ClinVar (database versions not stated): gnomAD exomes below 0.00001; TOPMed 0.00001.
gnomAD v4.1: 1 of 1,613,600 alleles (0.000062%); highest among the groups gnomAD compares: African/African-American, 0.0013%; no homozygotes.

Submissions (2):

Ambry Genetics
Classification: Uncertain significance for Inborn genetic diseases. Last evaluated: 2025-08-27. Review status: criteria provided, single submitter. Criteria: Ambry Variant Classification Scheme 2023. Collection method: clinical testing. Allele origin: germline.

PreventionGenetics, part of Exact Sciences
Classification: Uncertain significance for CDH2-related condition. Last evaluated: 2023-12-09. Review status: no assertion criteria provided. Collection method: clinical testing. Allele origin: germline. Not counted in ClinVar's aggregate classification.
Comment: The CDH2 c.410A>T variant is predicted to result in the amino acid substitution p.Glu137Val. To our knowledge, this variant has not been reported in the literature or in a large population database, indicating this variant is rare. At this time, the clinical significance of this variant is uncertain due to the absence of conclusive functional and genetic evidence.

NM_001792.5(CDH2):c.410A>T (p.Glu137Val)

Gene: CDH2 (cadherin 2; minus strand). Cytogenetic location: 18q12.1.
Variant type: single nucleotide variant.
Coding change: c.410A>T on transcript NM_001792.5 (MANE Select); coding-DNA position 410, A replaced by T.
Protein change: p.Glu137Val; replaces glutamic acid 137 with valine.
Molecular consequence: missense variant.
Genome position (GRCh38, 1-based): chr18:28,011,982, T>A on the plus strand (A>T on the coding strand, the complement: CDH2 is on the minus strand). VCF-style: chr18-28011982-T-A. GRCh37 (hg19) VCF-style: chr18-25591946-T-A.
Other names: c.410A>T (NM_001792.3); c.317A>T, p.Glu106Val (NM_001308176.2); short protein forms E106V, E137V.
Identifiers: ClinVar variation 3029659 (VCV003029659.4), dbSNP rs1396498254, ClinGen allele CA402244048.